The following is an entry in ClinVar:

NM_016219.5(MAN1B1):c.881C>T (p.Ala294Val)

Gene: MAN1B1 (mannosidase alpha class 1B member 1; plus strand). Cytogenetic location: 9q34.3.
Variant type: single nucleotide variant.
Coding change: c.881C>T on transcript NM_016219.5 (MANE Select); coding-DNA position 881, C replaced by T.
Protein change: p.Ala294Val; replaces alanine 294 with valine.
Molecular consequence: missense variant. On other transcripts: non-coding transcript variant (2).
Genome position (GRCh38, 1-based): chr9:137,099,846, C>T. VCF-style: chr9-137099846-C-T. GRCh37 (hg19) VCF-style: chr9-139994298-C-T.
Other names: c.881C>T (NM_016219.3); short protein forms A294V.
Identifiers: ClinVar variation 933941 (VCV000933941.5), dbSNP rs144767615, ClinGen allele CA5358817.
Genomic context (GRCh38, chr9:137,099,846, plus strand): 5'-TGAAGCCTGTGTCCAGGTCCTTCAGTGAGTGGTTTGGCCTCGGTCTCACACTGATCGACG[C>T]GCTGGACACCATGTGGATCTTGGGTCTGAGGAAAGGTACCTGGTGCTTTCTGGGGAGGGG-3'
Protein context (NP_057303.2, residues 284-304): WFGLGLTLID[Ala294Val]LDTMWILGLR

ClinVar aggregate classification (germline): Uncertain significance. Review status: criteria provided, multiple submitters, no conflicts (2 of 4 stars). 2 submissions from 2 submitters: Uncertain significance (2). Last evaluated 2022-07-06.

Conditions:
Inborn genetic diseases. Identifiers: MedGen C0950123, MeSH D030342.
Rafiq syndrome (RAFQS). Identifiers: Orphanet 88616, MedGen C3280127, MONDO:0013624, OMIM 614202.

Allele frequency attached by ClinVar (database versions not stated): gnomAD exomes 0.00003 and 0.00006; ESP Exome Variant Server 0.00008; ExAC 0.00010; gnomAD 0.00023 and 0.00024; TOPMed 0.00042.
gnomAD v4.1: 89 of 1,614,078 alleles (0.0055%); highest among the groups gnomAD compares: Admixed American, 0.06%; no homozygotes.

Submissions (2):

Labcorp Genetics (formerly Invitae), Labcorp
Classification: Uncertain significance for Rafiq syndrome. Last evaluated: 2022-07-06. Review status: criteria provided, single submitter. Criteria: Invitae Variant Classification Sherloc (09022015). Collection method: clinical testing. Allele origin: germline.
Comment: This sequence change replaces alanine, which is neutral and non-polar, with valine, which is neutral and non-polar, at codon 294 of the MAN1B1 protein (p.Ala294Val). This variant is present in population databases (rs144767615, gnomAD 0.02%). This variant has not been reported in the literature in individuals affected with MAN1B1-related conditions. ClinVar contains an entry for this variant (Variation ID: 933941). Algorithms developed to predict the effect of missense changes on protein structure and function are either unavailable or do not agree on the potential impact of this missense change (SIFT: "Deleterious"; PolyPhen-2: "Possibly Damaging"; Align-GVGD: "Class C0"). In summary, the available evidence is currently insufficient to determine the role of this variant in disease. Therefore, it has been classified as a Variant of Uncertain Significance.

Ambry Genetics
Classification: Uncertain significance for Inborn genetic diseases. Last evaluated: 2021-05-21. Review status: criteria provided, single submitter. Criteria: Ambry Variant Classification Scheme 2023. Collection method: clinical testing. Allele origin: germline.